The following is an entry in ClinVar:

ClinVar aggregate classification (germline): Uncertain significance (1 of 4 stars; one submission).

Submission:

GeneDx
Classification: Uncertain significance. Last evaluated: 2024-05-31. Review status: criteria provided, single submitter. Criteria: GeneDx Variant Classification Process June 2021. Collection method: clinical testing. Allele origin: germline. Affected: yes.
Comment: Not observed at significant frequency in large population cohorts (gnomAD); In silico analysis supports that this missense variant has a deleterious effect on protein structure/function; Has not been previously published as pathogenic or benign to our knowledge

NM_001100913.3(PACS2):c.2410C>T (p.Pro804Ser)

Gene: PACS2 (phosphofurin acidic cluster sorting protein 2; plus strand). Cytogenetic location: 14q32.33.
Variant type: single nucleotide variant.
Coding change: c.2410C>T on transcript NM_001100913.3 (MANE Select); coding-DNA position 2410, C replaced by T.
Protein change: p.Pro804Ser; replaces proline 804 with serine.
Molecular consequence: missense variant.
Genome position (GRCh38, 1-based): chr14:105,392,773, C>T. VCF-style: chr14-105392773-C-T. GRCh37 (hg19) VCF-style: chr14-105859110-C-T.
Other names: c.2140C>T, p.Pro714Ser (NM_001243127.3); c.2365C>T, p.Pro789Ser (NM_015197.4); short protein forms P714S, P789S, P804S.
Identifiers: ClinVar variation 3384568 (VCV003384568.1).